The following is an entry in ClinVar:

ClinVar aggregate classification (germline): Benign (1 of 4 stars; one submission).

Allele frequency attached by ClinVar (database versions not stated): gnomAD 0.02539 and 0.02710; 1000 Genomes Project 0.04273.
gnomAD v4.1: 3,489 of 138,816 alleles (2.5%); highest among the groups gnomAD compares: African/African-American, 8.7%; 182 homozygotes.

Submission:

GeneDx
Classification: Benign. Last evaluated: 2018-06-16. Review status: criteria provided, single submitter. Criteria: GeneDx Variant Classification (06012015). Collection method: clinical testing. Allele origin: germline. Affected: yes.
Comment: This variant is considered likely benign or benign based on one or more of the following criteria: it is a conservative change, it occurs at a poorly conserved position in the protein, it is predicted to be benign by multiple in silico algorithms, and/or has population frequency not consistent with disease.

NM_001244008.2(KIF1A):c.430-156G>T

Gene: KIF1A (kinesin family member 1A; minus strand). Cytogenetic location: 2q37.3.
Variant type: single nucleotide variant.
Coding change: c.430-156G>T on transcript NM_001244008.2 (MANE Select); 156 bases into the intron before coding-DNA position 430, G replaced by T.
Molecular consequence: intron variant.
Genome position (GRCh38, 1-based): chr2:240,786,669, C>A on the plus strand (G>T on the coding strand, the complement: KIF1A is on the minus strand). VCF-style: chr2-240786669-C-A. GRCh37 (hg19) VCF-style: chr2-241726086-C-A.
Other names: c.430-156G>T (NM_001379653.1, NM_001379650.1, NM_001379645.1 and 20 more transcripts).
Identifiers: ClinVar variation 677268 (VCV000677268.1), dbSNP rs538588747, ClinGen allele CA68141368.